The following is an entry in ClinVar:

NM_001211.6(BUB1B):c.1638A>G (p.Ala546=)

Gene: BUB1B (BUB1 mitotic checkpoint serine/threonine kinase B; plus strand). Cytogenetic location: 15q15.1.
Variant type: single nucleotide variant.
Coding change: c.1638A>G on transcript NM_001211.6 (MANE Select); coding-DNA position 1638, A replaced by G.
Protein change: p.Ala546=; no amino-acid change (alanine 546 retained).
Molecular consequence: synonymous variant.
Genome position (GRCh38, 1-based): chr15:40,202,598, A>G. VCF-style: chr15-40202598-A-G. GRCh37 (hg19) VCF-style: chr15-40494799-A-G.
Identifiers: ClinVar variation 2048001 (VCV002048001.5), dbSNP rs2037586967, ClinGen allele CA489709733.

ClinVar aggregate classification (germline): Conflicting classifications of pathogenicity. Review status: criteria provided, conflicting classifications (1 of 4 stars). 2 submissions from 2 submitters: Uncertain significance (1); Likely benign (1). Last evaluated 2026-04-28.

Conditions:
Inborn genetic diseases. Identifiers: MedGen C0950123, MeSH D030342.
Mosaic variegated aneuploidy syndrome 1 (MVA1). Also called: Warburton-Anyane-Yeboa syndrome. Identifiers: Orphanet 1052, MedGen C1850343, MONDO:0009759, OMIM 257300.

Allele frequency attached by ClinVar (database versions not stated): TOPMed below 0.00001; gnomAD exomes below 0.00001.
gnomAD v4.1: 1 of 1,614,080 alleles (0.000062%); highest among the groups gnomAD compares: African/African-American, 0.0013%; no homozygotes.

Submissions (2):

Ambry Genetics
Classification: Likely benign for Inborn genetic diseases. Last evaluated: 2026-04-28. Review status: criteria provided, single submitter. Criteria: Ambry Variant Classification Scheme 2023. Collection method: clinical testing. Allele origin: germline.

Labcorp Genetics (formerly Invitae), Labcorp
Classification: Uncertain significance for Mosaic variegated aneuploidy syndrome 1. Last evaluated: 2022-06-12. Review status: criteria provided, single submitter. Criteria: Invitae Variant Classification Sherloc (09022015). Collection method: clinical testing. Allele origin: germline.
Comment: This variant has not been reported in the literature in individuals affected with BUB1B-related conditions. In summary, the available evidence is currently insufficient to determine the role of this variant in disease. Therefore, it has been classified as a Variant of Uncertain Significance. Algorithms developed to predict the effect of sequence changes on RNA splicing suggest that this variant may disrupt the consensus splice site. This variant is not present in population databases (gnomAD no frequency). This sequence change affects codon 546 of the BUB1B mRNA. It is a 'silent' change, meaning that it does not change the encoded amino acid sequence of the BUB1B protein.